The following is an entry in ClinVar:

NM_020937.4(FANCM):c.193G>A (p.Glu65Lys)

Gene: FANCM (FA complementation group M; plus strand). Cytogenetic location: 14q21.2.
Variant type: single nucleotide variant.
Coding change: c.193G>A on transcript NM_020937.4 (MANE Select); coding-DNA position 193, G replaced by A.
Protein change: p.Glu65Lys; replaces glutamic acid 65 with lysine.
Molecular consequence: missense variant.
Genome position (GRCh38, 1-based): chr14:45,136,224, G>A. VCF-style: chr14-45136224-G-A. GRCh37 (hg19) VCF-style: chr14-45605427-G-A.
Other names: c.193G>A, p.Glu65Lys (NM_001308133.2, NM_001308134.2); short protein forms E65K.
Identifiers: ClinVar variation 3705930 (VCV003705930.2).

ClinVar aggregate classification (germline): Uncertain significance (1 of 4 stars; one submission).

Conditions:
Fanconi anemia (FA). Also called: Fanconi's anemia. Identifiers: Orphanet 84, MedGen C0015625, MeSH D005199, MONDO:0019391.

Submission:

Labcorp Genetics (formerly Invitae), Labcorp
Classification: Uncertain significance for Fanconi anemia. Last evaluated: 2024-10-09. Review status: criteria provided, single submitter. Criteria: Invitae Variant Classification Sherloc (09022015). Collection method: clinical testing. Allele origin: germline.
Comment: This sequence change replaces glutamic acid, which is acidic and polar, with lysine, which is basic and polar, at codon 65 of the FANCM protein (p.Glu65Lys). This variant is not present in population databases (gnomAD no frequency). This variant has not been reported in the literature in individuals affected with FANCM-related conditions. An algorithm developed to predict the effect of missense changes on protein structure and function (PolyPhen-2) suggests that this variant is likely to be disruptive. In summary, the available evidence is currently insufficient to determine the role of this variant in disease. Therefore, it has been classified as a Variant of Uncertain Significance.